The following is an entry in ClinVar:

NM_133642.5(LARGE1):c.1098C>G (p.Ser366=)

Gene: LARGE1 (LARGE xylosyl- and glucuronyltransferase 1; minus strand). Cytogenetic location: 22q12.3.
Variant type: single nucleotide variant.
Coding change: c.1098C>G on transcript NM_133642.5 (MANE Select); coding-DNA position 1098, C replaced by G.
Protein change: p.Ser366=; no amino-acid change (serine 366 retained).
Molecular consequence: synonymous variant.
Genome position (GRCh38, 1-based): chr22:33,381,952, G>C on the plus strand (C>G on the coding strand, the complement: LARGE1 is on the minus strand). VCF-style: chr22-33381952-G-C. GRCh37 (hg19) VCF-style: chr22-33777938-G-C.
Other names: c.1098C>G (NM_004737.5); c.1098C>G, p.Ser366= (NM_001362949.2, NM_001362951.2, NM_001362953.2 and 7 more transcripts); c.495C>G, p.Ser165= (NM_001378630.1, NM_001378631.1).
Identifiers: ClinVar variation 464466 (VCV000464466.13), dbSNP rs770224674, ClinGen allele CA10202856.

ClinVar aggregate classification (germline): Likely benign. Review status: criteria provided, multiple submitters, no conflicts (2 of 4 stars). 3 submissions from 3 submitters: Likely benign (2). 1 of the submissions does not count toward it. Last evaluated 2025-05-19.

Conditions:
LARGE1-related disorder. Also called: LARGE1-related condition.
Muscular dystrophy-dystroglycanopathy type B6 (MDDGB6). Also called: MUSCULAR DYSTROPHY-DYSTROGLYCANOPATHY (CONGENITAL WITH IMPAIRED INTELLECTUAL DEVELOPMENT), TYPE B, 6; MUSCULAR DYSTROPHY, CONGENITAL, LARGE-RELATED; MUSCULAR DYSTROPHY, CONGENITAL, TYPE 1D. Identifiers: MedGen C1837229, MONDO:0012138, OMIM 608840.

Allele frequency attached by ClinVar (database versions not stated): ExAC 0.00002; gnomAD exomes 0.00003; TOPMed 0.00003.
gnomAD v4.1: 15 of 1,614,102 alleles (0.00093%); highest among the groups gnomAD compares: Middle Eastern, 0.033%; no homozygotes.

Submissions (3):

Labcorp Genetics (formerly Invitae), Labcorp
Classification: Likely benign for Muscular dystrophy-dystroglycanopathy type B6. Last evaluated: 2025-05-19. Review status: criteria provided, single submitter. Criteria: Invitae Variant Classification Sherloc (09022015). Collection method: clinical testing. Allele origin: germline.

Blueprint Genetics
Classification: Likely benign. Last evaluated: 2024-04-02. Review status: criteria provided, single submitter. Criteria: ACMG Guidelines, 2015. Collection method: clinical testing. Allele origin: germline.

PreventionGenetics, part of Exact Sciences
Classification: Likely benign for LARGE1-related condition. Last evaluated: 2022-02-14. Review status: no assertion criteria provided. Collection method: clinical testing. Allele origin: germline. Not counted in ClinVar's aggregate classification.
Comment: This variant is classified as likely benign based on ACMG/AMP sequence variant interpretation guidelines (Richards et al. 2015 PMID: 25741868, with internal and published modifications).